The following is an entry in ClinVar:

ClinVar aggregate classification (germline): Conflicting classifications of pathogenicity. Review status: criteria provided, conflicting classifications (1 of 4 stars). 19 submissions from 15 submitters: Uncertain significance (3); Benign (9); Likely benign (5). 2 of the submissions do not count toward it. Last evaluated 2026-01-28.

Conditions:
Cardiovascular phenotype. Identifiers: MedGen CN230736.
Autosomal recessive limb-girdle muscular dystrophy type 2J (LGMDR10). Also called: Limb-girdle muscular dystrophy, type 2J; MUSCULAR DYSTROPHY, LIMB-GIRDLE, AUTOSOMAL RECESSIVE 10. Identifiers: Orphanet 140922, MedGen C1837342, MONDO:0012127, OMIM 608807.
Dilated cardiomyopathy 1G (CMD1G). Identifiers: Orphanet 154, MedGen C1858763, MONDO:0011400, OMIM 604145.
Limb-girdle muscular dystrophy (LGMD). Also called: Muscular Dystrophies, Limb-Girdle. Identifiers: Orphanet 263, MedGen C0686353, MeSH D049288, MONDO:0016971, HP:0006785.
Cardiomyopathy (CMYO). Also called: Cardiomyopathies. Identifiers: Orphanet 167848, MedGen C0878544, MONDO:0004994, HP:0001638. Inheritance: Various modes of inheritance.
Early-onset myopathy with fatal cardiomyopathy (CMYO5). Also called: Salih Myopathy; CONGENITAL MYOPATHY 5 WITH CARDIOMYOPATHY. Identifiers: Orphanet 289377, MedGen C2673677, MONDO:0012714, OMIM 611705. Disease mechanism: loss of function.
Myopathy, myofibrillar, 9, with early respiratory failure (MFM9). Also called: Hereditary myopathy with early respiratory failure; EDSTROM MYOPATHY; MYOPATHY, PROXIMAL, WITH EARLY RESPIRATORY MUSCLE INVOLVEMENT; Myopathy, distal, with early respiratory failure, autosomal dominant. Identifiers: Orphanet 178464, Orphanet 34521, MedGen C1863599, MONDO:0011362, OMIM 603689.
Tibial muscular dystrophy (TMD). Also called: UDD MYOPATHY; Udd Distal Myopathy – Tibial Muscular Dystrophy; Tibial muscular dystrophy, tardive. Identifiers: Orphanet 609, MedGen C1838244, MONDO:0010870, OMIM 600334.

Allele frequency attached by ClinVar (database versions not stated): gnomAD exomes 0.00021 and 0.00052; ExAC 0.00067; 1000 Genomes Project 0.00140; 1000 Genomes Project 30x 0.00187; gnomAD 0.00197 and 0.00219; TOPMed 0.00212; ESP Exome Variant Server 0.00277.
gnomAD v4.1: 628 of 1,613,918 alleles (0.039%); highest among the groups gnomAD compares: African/African-American, 0.76%; 3 homozygotes.

Submissions (19):

Labcorp Genetics (formerly Invitae), Labcorp
Classification: Benign for Dilated cardiomyopathy 1G; Autosomal recessive limb-girdle muscular dystrophy type 2J. Last evaluated: 2026-01-28. Review status: criteria provided, single submitter. Criteria: Invitae Variant Classification Sherloc (09022015). Collection method: clinical testing. Allele origin: germline.

ARUP Laboratories, Molecular Genetics and Genomics, ARUP Laboratories
Classification: Benign. Last evaluated: 2025-06-25. Review status: criteria provided, single submitter. Criteria: ARUP Molecular Germline Variant Investigation Process 2024. Collection method: clinical testing. Allele origin: germline.

Molecular Diagnostic Laboratory for Inherited Cardiovascular Disease, Montreal Heart Institute
Classification: Likely benign. Last evaluated: 2025-04-09. Review status: criteria provided, single submitter. Criteria: ACMG Guidelines, 2015. Collection method: clinical testing. Allele origin: germline. Affected: no.

Mayo Clinic Laboratories, Mayo Clinic
Classification: Likely benign. Last evaluated: 2024-12-30. Review status: criteria provided, single submitter. Criteria: ACMG Guidelines, 2015. Collection method: clinical testing. Allele origin: germline. Observed: 3 variant alleles.
Comment: BS1, BP4_moderate

Blueprint Genetics
Classification: Benign. Last evaluated: 2024-06-24. Review status: criteria provided, single submitter. Criteria: ACMG Guidelines, 2015. Collection method: clinical testing. Allele origin: germline.

Women's Health and Genetics/Laboratory Corporation of America, LabCorp
Classification: Benign. Last evaluated: 2021-03-15. Review status: criteria provided, single submitter. Criteria: LabCorp Variant Classification Summary - May 2015. Collection method: clinical testing. Allele origin: germline.
Comment: Variant summary: TTN c.4199G>C (p.Ser1400Thr) results in a conservative amino acid change located in the near Z-disk domian of the encoded protein sequence. Five of five in-silico tools predict a benign effect of the variant on protein function. The variant allele was found at a frequency of 0.00075 in 282232 control chromosomes, predominantly at a frequency of 0.008 within the African or African-American subpopulation in the gnomAD database, including 2 homozygotes. The observed variant frequency within African or African-American control individuals in the gnomAD database is approximately 21 fold of the estimated maximal expected allele frequency for a pathogenic variant in TTN causing Dilated Cardiomyopathy phenotype (0.00039), strongly suggesting that the variant is a benign polymorphism found primarily in populations of African or African-American origin. To our knowledge, no experimental evidence demonstrating its impact on protein function have been reported. Eight ClinVar submitters (evaluation after 2014) cite the variant as uncertain significance (n=1), likely benign (n=3) and benign (n=4). Based on the evidence outlined above, the variant was classified as benign.

GeneDx
Classification: Benign. Last evaluated: 2020-04-23. Review status: criteria provided, single submitter. Criteria: GeneDx Variant Classification Process June 2021. Collection method: clinical testing. Allele origin: germline. Affected: yes.
Comment: This variant is associated with the following publications: (PMID: 24123366, 24558114)

Cambridge Genomics Laboratory, East Genomic Laboratory Hub, NHS Genomic Medicine Service
Classification: Likely benign for Limb-girdle muscular dystrophy. Last evaluated: 2019-09-03. Review status: criteria provided, single submitter. Criteria: ACGS Best Practice Guidelines for Variant Classification in Rare Disease 2020. Collection method: clinical testing. Allele origin: germline. Affected: yes. Observed: 1 variant allele.

Ambry Genetics
Classification: Likely benign for Cardiovascular phenotype. Last evaluated: 2018-09-14. Review status: criteria provided, single submitter. Criteria: Ambry Variant Classification Scheme 2023. Collection method: clinical testing. Allele origin: germline.

Illumina Laboratory Services, Illumina
Classification: Uncertain significance for Autosomal recessive limb-girdle muscular dystrophy type 2J. Last evaluated: 2018-01-12. Review status: criteria provided, single submitter. Criteria: ICSL Variant Classification Criteria 13 December 2019. Collection method: clinical testing. Allele origin: germline.

Illumina Laboratory Services, Illumina
Classification: Uncertain significance for Early-onset myopathy with fatal cardiomyopathy. Last evaluated: 2018-01-12. Review status: criteria provided, single submitter. Criteria: ICSL Variant Classification Criteria 13 December 2019. Collection method: clinical testing. Allele origin: germline.

Illumina Laboratory Services, Illumina
Classification: Uncertain significance for Dilated cardiomyopathy 1G. Last evaluated: 2018-01-12. Review status: criteria provided, single submitter. Criteria: ICSL Variant Classification Criteria 13 December 2019. Collection method: clinical testing. Allele origin: germline.

Illumina Laboratory Services, Illumina
Classification: Benign for Myopathy, myofibrillar, 9, with early respiratory failure. Last evaluated: 2018-01-12. Review status: criteria provided, single submitter. Criteria: ICSL Variant Classification Criteria 13 December 2019. Collection method: clinical testing. Allele origin: germline.
Comment: This variant was observed in the ICSL laboratory as part of a predisposition screen in an ostensibly healthy population. It had not been previously curated by ICSL or reported in the Human Gene Mutation Database (HGMD: prior to June 1st, 2018), and was therefore a candidate for classification through an automated scoring system. Utilizing variant allele frequency, disease prevalence and penetrance estimates, and inheritance mode, an automated score was calculated to assess if this variant is too frequent to cause the disease. Based on the score and internal cut-off values, a variant classified as benign is not then subjected to further curation. The score for this variant resulted in a classification of benign for this disease.

Illumina Laboratory Services, Illumina
Classification: Benign for Tibial muscular dystrophy. Last evaluated: 2018-01-12. Review status: criteria provided, single submitter. Criteria: ICSL Variant Classification Criteria 13 December 2019. Collection method: clinical testing. Allele origin: germline.
Comment: the same text as in the submission from Illumina Laboratory Services, Illumina above.

CHEO Genetics Diagnostic Laboratory, Children's Hospital of Eastern Ontario
Classification: Benign for Cardiomyopathy. Last evaluated: 2017-12-01. Review status: criteria provided, single submitter. Criteria: ACMG Guidelines, 2015. Collection method: clinical testing. Allele origin: germline.

Eurofins Ntd Llc (ga)
Classification: Benign. Last evaluated: 2016-03-03. Review status: criteria provided, single submitter. Criteria: EGL Classification Definitions 2015. Collection method: clinical testing. Allele origin: germline. Observed: 2 variant alleles, 2 heterozygotes.

Laboratory for Molecular Medicine, Mass General Brigham Personalized Medicine
Classification: Likely benign. Last evaluated: 2015-06-12. Review status: criteria provided, single submitter. Criteria: LMM Criteria. Collection method: clinical testing. Allele origin: germline. Observed: 9 variant alleles.
Comment: p.Ser1400Thr in exon 24 of TTN: This variant is not expected to have clinical si gnificance because it has been identified in 0.8% (78/10266) of African chromoso mes by the Exome Aggregation Consortium (ExAC; d bSNP rs138506461).

Clinical Genetics DNA and cytogenetics Diagnostics Lab, Erasmus MC, Erasmus Medical Center
Classification: Benign. Review status: no assertion criteria provided. Collection method: clinical testing. Allele origin: germline. Affected: yes. Study: VKGL Data-share Consensus. Not counted in ClinVar's aggregate classification.

Clinical Genetics, Academic Medical Center
Classification: Benign. Review status: no assertion criteria provided. Collection method: clinical testing. Allele origin: germline. Affected: yes. Study: VKGL Data-share Consensus. Not counted in ClinVar's aggregate classification.

NM_001267550.2(TTN):c.4199G>C (p.Ser1400Thr)

Genes: TTN (titin; minus strand), LOC101927055 (uncharacterized LOC101927055; plus strand). Cytogenetic location: 2q31.2.
Variant type: single nucleotide variant.
Coding change: c.4199G>C on transcript NM_001267550.2 (MANE Select); coding-DNA position 4199, G replaced by C.
Protein change: p.Ser1400Thr; replaces serine 1400 with threonine.
Molecular consequence: missense variant.
Genome position (GRCh38, 1-based): chr2:178,778,883, C>G on the plus strand (G>C on the coding strand, the complement: TTN is on the minus strand). VCF-style: chr2-178778883-C-G. GRCh37 (hg19) VCF-style: chr2-179643610-C-G.
Other names: p.S1400T:AGC>ACC; c.4199G>C, p.Ser1400Thr (NM_133379.5, NM_001256850.1, NM_133378.4); c.4061G>C, p.Ser1354Thr (NM_133432.3, NM_133437.4, NM_003319.4); short protein forms S1400T, S1354T.
Identifiers: ClinVar variation 47034 (VCV000047034.37), dbSNP rs138506461, ClinGen allele CA139816.